The following is an entry in ClinVar:

NM_182914.3(SYNE2):c.1721T>C (p.Ile574Thr)

Gene: SYNE2 (spectrin repeat containing nuclear envelope protein 2; plus strand). Cytogenetic location: 14q23.2.
Variant type: single nucleotide variant.
Coding change: c.1721T>C on transcript NM_182914.3 (MANE Select); coding-DNA position 1721, T replaced by C.
Protein change: p.Ile574Thr; replaces isoleucine 574 with threonine.
Molecular consequence: missense variant.
Genome position (GRCh38, 1-based): chr14:63,981,058, T>C. VCF-style: chr14-63981058-T-C. GRCh37 (hg19) VCF-style: chr14-64447776-T-C.
Other names: c.1721T>C, p.Ile574Thr (NM_015180.6); short protein forms I574T.
Identifiers: ClinVar variation 130486 (VCV000130486.26), dbSNP rs9944035, ClinGen allele CA155559.

ClinVar aggregate classification (germline): Benign. Review status: criteria provided, multiple submitters, no conflicts (2 of 4 stars). 8 submissions from 8 submitters: Benign (5). 3 of the submissions do not count toward it. Last evaluated 2026-02-03.

Conditions:
Emery-Dreifuss muscular dystrophy 5, autosomal dominant (EDMD5). Also called: EMERY-DREIFUSS MUSCULAR DYSTROPHY 5. Identifiers: Orphanet 261, MedGen C2751805, MONDO:0013072, OMIM 612999.

Allele frequency attached by ClinVar (database versions not stated): gnomAD exomes 0.07553 and 0.10060; ESP Exome Variant Server 0.08142; gnomAD 0.08879 and 0.09228; TOPMed 0.09406; ExAC 0.09954; 1000 Genomes Project 30x 0.13164; 1000 Genomes Project 0.13199.
gnomAD v4.1: 123,630 of 1,593,248 alleles (7.8%); highest among the groups gnomAD compares: South Asian, 16%; 5,821 homozygotes.

Submissions (8):

Labcorp Genetics (formerly Invitae), Labcorp
Classification: Benign for Emery-Dreifuss muscular dystrophy 5, autosomal dominant. Last evaluated: 2026-02-03. Review status: criteria provided, single submitter. Criteria: Invitae Variant Classification Sherloc (09022015). Collection method: clinical testing. Allele origin: germline.

GeneDx
Classification: Benign. Last evaluated: 2018-07-09. Review status: criteria provided, single submitter. Criteria: GeneDx Variant Classification Process June 2021. Collection method: clinical testing. Allele origin: germline. Affected: yes.

Illumina Laboratory Services, Illumina
Classification: Benign for Emery-Dreifuss muscular dystrophy 5, autosomal dominant. Last evaluated: 2018-01-12. Review status: criteria provided, single submitter. Criteria: ICSL Variant Classification Criteria 13 December 2019. Collection method: clinical testing. Allele origin: germline.
Comment: This variant was observed in the ICSL laboratory as part of a predisposition screen in an ostensibly healthy population. It had not been previously curated by ICSL or reported in the Human Gene Mutation Database (HGMD: prior to June 1st, 2018), and was therefore a candidate for classification through an automated scoring system. Utilizing variant allele frequency, disease prevalence and penetrance estimates, and inheritance mode, an automated score was calculated to assess if this variant is too frequent to cause the disease. Based on the score and internal cut-off values, a variant classified as benign is not then subjected to further curation. The score for this variant resulted in a classification of benign for this disease.

Eurofins Ntd Llc (ga)
Classification: Benign. Last evaluated: 2015-10-29. Review status: criteria provided, single submitter. Criteria: EGL Classification Definitions 2015. Collection method: clinical testing. Allele origin: germline. Observed: 1 variant allele, 1 heterozygote.

Breakthrough Genomics
Classification: Benign. Review status: criteria provided, single submitter. Criteria: ACMG Guidelines, 2015. Collection method: not provided. Allele origin: germline. Inheritance: Autosomal dominant inheritance. Affected: yes.

Clinical Genetics, Academic Medical Center
Classification: Benign. Review status: no assertion criteria provided. Collection method: clinical testing. Allele origin: germline. Affected: yes. Study: VKGL Data-share Consensus. Not counted in ClinVar's aggregate classification.

Diagnostic Laboratory, Department of Genetics, University Medical Center Groningen
Classification: Benign for Emery-Dreifuss muscular dystrophy 5, autosomal dominant. Review status: no assertion criteria provided. Collection method: clinical testing. Allele origin: germline. Affected: yes. Study: VKGL Data-share Consensus. Not counted in ClinVar's aggregate classification.

Genetic Services Laboratory, University of Chicago
Classification: Likely benign for AllHighlyPenetrant. Review status: no assertion criteria provided. Collection method: clinical testing. Allele origin: germline. Inheritance: Autosomal dominant inheritance. Not counted in ClinVar's aggregate classification.
Comment: Likely benign based on allele frequency in 1000 Genomes Project or ESP global frequency and its presence in a patient with a rare or unrelated disease phenotype. NOT Sanger confirmed.